The following is an entry in ClinVar:

NM_002857.4(PEX19):c.281T>A (p.Leu94Ter)

Gene: PEX19 (peroxisomal biogenesis factor 19; minus strand). Cytogenetic location: 1q23.2.
Variant type: single nucleotide variant.
Coding change: c.281T>A on transcript NM_002857.4 (MANE Select); coding-DNA position 281, T replaced by A.
Protein change: p.Leu94Ter; replaces leucine 94 with a stop codon.
Molecular consequence: nonsense. On other transcripts: non-coding transcript variant (2).
Genome position (GRCh38, 1-based): chr1:160,283,009, A>T on the plus strand (T>A on the coding strand, the complement: PEX19 is on the minus strand). VCF-style: chr1-160283009-A-T. GRCh37 (hg19) VCF-style: chr1-160252799-A-T.
Other names: c.281T>A, p.Leu94Ter (NM_001193644.1); short protein forms L94*.
Identifiers: ClinVar variation 2432567 (VCV002432567.4), dbSNP rs2525316064, ClinGen allele CA343263096.

ClinVar aggregate classification (germline): Likely pathogenic. Review status: criteria provided, multiple submitters, no conflicts (2 of 4 stars). 2 submissions from 2 submitters: Likely pathogenic (2). Last evaluated 2023-12-28.

Conditions:
Zellweger spectrum disorders (ZS). Also called: Zellweger Spectrum Disorder; Zellweger Spectrum; Zellweger syndrome; Zellweger Spectrum Disorder (ZSD). Identifiers: Orphanet 912, MedGen C0043459, MONDO:0019609.
Peroxisome biogenesis disorder 12A (Zellweger). Also called: Peroxisome biogenesis disorder 12A. Identifiers: Orphanet 912, MedGen C3554002, MONDO:0013951, OMIM 614886.

Submissions (2):

Laboratory for Molecular Medicine, Mass General Brigham Personalized Medicine
Classification: Likely pathogenic for Zellweger spectrum disorders. Last evaluated: 2023-12-28. Review status: criteria provided, single submitter. Criteria: ACMG Guidelines, 2015. Collection method: clinical testing. Allele origin: germline. Inheritance: Autosomal recessive inheritance.
Comment: The p.Leu94X variant in PEX19 has not been previously reported in individuals with Zellweger spectrum disorder disorder but has been reported in ClinVar (Variation ID 2432567). It was absent from large population studies (gnomAD, v.3.1.2). This nonsense variant leads to a premature termination codon at position 94, which is predicted to lead to a truncated or absent protein. Biallelic loss of function of the PEX19 gene is an established disease mechanism in autosomal recessive Zellweger spectrum disorder. In summary, although additional studies are required to fully establish its clinical significance, this variant meets criteria to be classified as likely pathogenic for autosomal recessive Zellweger spectrum disorder. ACMG/AMP Criteria applied: PVS1, PM2_Supporting.

Revvity Omics, Revvity
Classification: Likely pathogenic for Peroxisome biogenesis disorder 12A (Zellweger). Last evaluated: 2022-11-10. Review status: criteria provided, single submitter. Criteria: ACMG Guidelines, 2015. Collection method: clinical testing. Allele origin: germline.